The following is an entry in ClinVar:

NM_201550.4(LRRC10):c.257A>G (p.Asn86Ser)

Gene: LRRC10 (leucine rich repeat containing 10; minus strand). Cytogenetic location: 12q15.
Variant type: single nucleotide variant.
Coding change: c.257A>G on transcript NM_201550.4 (MANE Select); coding-DNA position 257, A replaced by G.
Protein change: p.Asn86Ser; replaces asparagine 86 with serine.
Molecular consequence: missense variant.
Genome position (GRCh38, 1-based): chr12:69,610,582, T>C on the plus strand (A>G on the coding strand, the complement: LRRC10 is on the minus strand). VCF-style: chr12-69610582-T-C. GRCh37 (hg19) VCF-style: chr12-70004362-T-C.
Other names: c.257A>G (NM_201550.2); short protein forms N86S.
Identifiers: ClinVar variation 1968315 (VCV001968315.6), dbSNP rs2499033313, ClinGen allele CA385737217.

ClinVar aggregate classification (germline): Uncertain significance. Review status: criteria provided, multiple submitters, no conflicts (2 of 4 stars). 2 submissions from 2 submitters: Uncertain significance (2). Last evaluated 2025-02-24.

Allele frequency attached by ClinVar (database versions not stated): gnomAD exomes below 0.00001.

Submissions (2):

Ambry Genetics
Classification: Uncertain significance. Last evaluated: 2025-02-24. Review status: criteria provided, single submitter. Criteria: Ambry Variant Classification Scheme 2023. Collection method: clinical testing. Allele origin: germline.

Labcorp Genetics (formerly Invitae), Labcorp
Classification: Uncertain significance. Last evaluated: 2022-01-03. Review status: criteria provided, single submitter. Criteria: Invitae Variant Classification Sherloc (09022015). Collection method: clinical testing. Allele origin: germline.
Comment: This sequence change replaces asparagine, which is neutral and polar, with serine, which is neutral and polar, at codon 86 of the LRRC10 protein (p.Asn86Ser). This variant is not present in population databases (gnomAD no frequency). This variant has not been reported in the literature in individuals affected with LRRC10-related conditions. Algorithms developed to predict the effect of missense changes on protein structure and function (SIFT, PolyPhen-2, Align-GVGD) all suggest that this variant is likely to be tolerated. In summary, the available evidence is currently insufficient to determine the role of this variant in disease. Therefore, it has been classified as a Variant of Uncertain Significance.